The following is an entry in ClinVar:

ClinVar aggregate classification (germline): Conflicting classifications of pathogenicity. Review status: criteria provided, conflicting classifications (1 of 4 stars). 5 submissions from 5 submitters: Uncertain significance (1); Likely benign (4). Last evaluated 2026-01-27.

Conditions:
Hereditary cancer-predisposing syndrome. Also called: Hereditary Cancer Syndrome; Tumor predisposition; Neoplastic Syndromes, Hereditary; Hereditary neoplastic syndrome. Identifiers: Orphanet 140162, MedGen C0027672, MeSH D009386, MONDO:0015356.
Tuberous sclerosis 2 (TSC2). Identifiers: Orphanet 805, MedGen C1860707, MONDO:0013199, OMIM 613254.

Allele frequency attached by ClinVar (database versions not stated): gnomAD exomes below 0.00001; gnomAD 0.00001; TOPMed 0.00001.
gnomAD v4.1: 7 of 1,612,648 alleles (0.00043%); highest among the groups gnomAD compares: Non-Finnish European, 0.00059%; no homozygotes.

Submissions (5):

Labcorp Genetics (formerly Invitae), Labcorp
Classification: Likely benign for Tuberous sclerosis 2. Last evaluated: 2026-01-27. Review status: criteria provided, single submitter. Criteria: Invitae Variant Classification Sherloc (09022015). Collection method: clinical testing. Allele origin: germline.

Myriad Genetics, Inc.
Classification: Likely benign for Tuberous sclerosis 2. Last evaluated: 2025-06-06. Review status: criteria provided, single submitter. Criteria: Myriad Autosomal Dominant, Autosomal Recessive and X-Linked Classification Criteria (2023). Collection method: clinical testing. Allele origin: unknown.
Comment: This variant is considered likely benign. This variant is intronic and is not expected to impact mRNA splicing.

Blueprint Genetics
Classification: Likely benign. Last evaluated: 2024-05-29. Review status: criteria provided, single submitter. Criteria: ACMG Guidelines, 2015. Collection method: clinical testing. Allele origin: germline.

Sema4
Classification: Uncertain significance for Hereditary cancer-predisposing syndrome. Last evaluated: 2021-12-08. Review status: criteria provided, single submitter. Criteria: Sema4 Curation Guidelines. Collection method: curation. Allele origin: germline.
Comment: The TSC2 c.5260-13C>T variant has not been reported in the literature to our knowledge. It was not observed in the large and broad cohorts of the Genome Aggregation Database (PMID: 32461654). The variant has been reported in ClinVar (Variation ID 1178192). In silico tools suggest an impact on splicing, though these predictions have not been confirmed by functional studies. The evidence is insufficient to meet ACMG/AMP criteria for classifying the variant as benign or pathogenic. Thus, the clinical significance of this variant is currently uncertain.

GeneDx
Classification: Likely benign. Last evaluated: 2019-05-21. Review status: criteria provided, single submitter. Criteria: GeneDx Variant Classification Process June 2021. Collection method: clinical testing. Allele origin: germline. Affected: yes.

NM_000548.5(TSC2):c.5260-13C>T

Gene: TSC2 (TSC complex subunit 2; plus strand). Cytogenetic location: 16p13.3.
Variant type: single nucleotide variant.
Coding change: c.5260-13C>T on transcript NM_000548.5 (MANE Select); 13 bases into the intron before coding-DNA position 5260, C replaced by T.
Molecular consequence: intron variant.
Genome position (GRCh38, 1-based): chr16:2,088,433, C>T. VCF-style: chr16-2088433-C-T. GRCh37 (hg19) VCF-style: chr16-2138434-C-T.
Other names: c.5191-13C>T (NM_001114382.3); c.5131-13C>T (NM_021055.3); c.5119-13C>T (NM_001370405.1); c.5062-13C>T (NM_001363528.2); c.5128-13C>T (NM_001370404.1); c.5059-13C>T (NM_001077183.3); c.4951-13C>T (NM_001318827.2); c.4528-13C>T (NM_001318831.2); and 2 more.
Identifiers: ClinVar variation 1178192 (VCV001178192.13), dbSNP rs1413775764, ClinGen allele CA718905476.